The following is an entry in ClinVar:

ClinVar aggregate classification (germline): Uncertain significance (1 of 4 stars; one submission).

Conditions:
Hereditary cancer-predisposing syndrome. Also called: Neoplastic Syndromes, Hereditary; Tumor predisposition; Hereditary Cancer Syndrome; Hereditary neoplastic syndrome. Identifiers: Orphanet 140162, MedGen C0027672, MeSH D009386, MONDO:0015356.

Submission:

Ambry Genetics
Classification: Uncertain significance for Hereditary cancer-predisposing syndrome. Last evaluated: 2025-12-30. Review status: criteria provided, single submitter. Criteria: Ambry Variant Classification Scheme 2023. Collection method: clinical testing. Allele origin: germline.
Comment: The c.202+1G>T intronic variant results from a G to T substitution one nucleotide after coding exon 1 of the POLD1 gene. This nucleotide position is highly conserved in available vertebrate species. In silico splice site analysis predicts that this alteration will weaken the native splice donor site. Alterations that disrupt the canonical splice site are expected to cause aberrant splicing, resulting in an abnormal protein or a transcript that is subject to nonsense-mediated mRNA decay. However, loss of function has not been established as a mechanism of disease. Based on the available evidence, the clinical significance of this alteration remains unclear.

NM_002691.4(POLD1):c.202+1G>T

Gene: POLD1 (DNA polymerase delta 1, catalytic subunit; plus strand). Cytogenetic location: 19q13.33.
Variant type: single nucleotide variant.
Coding change: c.202+1G>T on transcript NM_002691.4 (MANE Select); the canonical splice donor site of the intron after coding-DNA position 202, G replaced by T.
Molecular consequence: splice donor variant.
Genome position (GRCh38, 1-based): chr19:50,399,054, G>T. VCF-style: chr19-50399054-G-T. GRCh37 (hg19) VCF-style: chr19-50902311-G-T.
Other names: c.202+1G>T (NM_001256849.1, NM_001438212.1, NM_001438213.1 and 3 more transcripts).
Identifiers: ClinVar variation 4842976 (VCV004842976.1).
Genomic context (GRCh38, chr19:50,399,054, plus strand): 5'-ACAGGCTGCAGGAGCAGGAGGAGGAGGAGCTGCAGTCAGTCCTGGAGGGGGTTGCAGACG[G>T]TAAGGCTTGGAGTTGGAGGTTCCTGCTGCCCAACCCATTGCCCCTGGTCTTGCCTTTGGT-3'